The following is an entry in ClinVar:

NM_000138.5(FBN1):c.2966G>A (p.Gly989Asp)

Gene: FBN1 (fibrillin 1; minus strand). Cytogenetic location: 15q21.1.
Variant type: single nucleotide variant.
Coding change: c.2966G>A on transcript NM_000138.5 (MANE Select); coding-DNA position 2966, G replaced by A.
Protein change: p.Gly989Asp; replaces glycine 989 with aspartic acid.
Molecular consequence: missense variant.
Genome position (GRCh38, 1-based): chr15:48,489,967, C>T on the plus strand (G>A on the coding strand, the complement: FBN1 is on the minus strand). VCF-style: chr15-48489967-C-T. GRCh37 (hg19) VCF-style: chr15-48782164-C-T.
Other names: c.2966G>A, p.Gly989Asp (NM_001406716.1); short protein forms G989D.
Identifiers: ClinVar variation 3758628 (VCV003758628.2).

ClinVar aggregate classification (germline): Uncertain significance (1 of 4 stars; one submission).

Conditions:
Marfan syndrome (MFS). Also called: MARFAN SYNDROME, TYPE I; Marfan syndrome type 1; Marfan's syndrome; Marfan syndrome, classic; FBN1-Related Marfan Syndrome. Identifiers: Orphanet 284963, Orphanet 558, MedGen C0024796, MONDO:0007947, OMIM 154700.
Familial thoracic aortic aneurysm and aortic dissection (TAAD). Also called: Thoracic aortic aneurysms and dissections. Identifiers: Orphanet 91387, MedGen C4707243, MONDO:0019625.

Submission:

Labcorp Genetics (formerly Invitae), Labcorp
Classification: Uncertain significance for Marfan syndrome; Familial thoracic aortic aneurysm and aortic dissection. Last evaluated: 2024-06-12. Review status: criteria provided, single submitter. Criteria: Invitae Variant Classification Sherloc (09022015). Collection method: clinical testing. Allele origin: germline.
Comment: This sequence change replaces glycine, which is neutral and non-polar, with aspartic acid, which is acidic and polar, at codon 989 of the FBN1 protein (p.Gly989Asp). This variant is not present in population databases (gnomAD no frequency). This variant has not been reported in the literature in individuals affected with FBN1-related conditions. Advanced modeling of protein sequence and biophysical properties (such as structural, functional, and spatial information, amino acid conservation, physicochemical variation, residue mobility, and thermodynamic stability) performed at Invitae indicates that this missense variant is expected to disrupt FBN1 protein function with a positive predictive value of 95%. In summary, the available evidence is currently insufficient to determine the role of this variant in disease. Therefore, it has been classified as a Variant of Uncertain Significance.